The following is an entry in ClinVar:

NM_007194.4(CHEK2):c.196G>A (p.Val66Met)

Gene: CHEK2 (checkpoint kinase 2; minus strand). Cytogenetic location: 22q12.1.
Variant type: single nucleotide variant.
Coding change: c.196G>A on transcript NM_007194.4 (MANE Select); coding-DNA position 196, G replaced by A.
Protein change: p.Val66Met; replaces valine 66 with methionine.
Molecular consequence: missense variant.
Genome position (GRCh38, 1-based): chr22:28,734,526, C>T on the plus strand (G>A on the coding strand, the complement: CHEK2 is on the minus strand). VCF-style: chr22-28734526-C-T. GRCh37 (hg19) VCF-style: chr22-29130514-C-T.
Other names: p.V66M:GTG>ATG; c.196G>A, p.Val66Met (NM_001005735.3, NM_001349956.3, NM_145862.3); c.-582G>A (NM_001257387.3); short protein forms V66M.
Identifiers: ClinVar variation 182446 (VCV000182446.21), dbSNP rs730881696, ClinGen allele CA299103.
Genomic context (GRCh38, chr22:28,734,526, plus strand): 5'-CAGGTTCTTGGTCCTCAGGTTCTTGGTCCTCAGGAATAGAATAGAGTTCCTGAGTGGACA[C>T]TGTCTCTAAGGAGCTCAGTGTCCCAGAGCTGGAGTGAGAGGACTGGCTGGAGTTTGGCAT-3'
Protein context (NP_009125.1, residues 56-76): SSGTLSSLET[Val66Met]STQELYSIPE

ClinVar aggregate classification (germline): Uncertain significance. Review status: criteria provided, multiple submitters, no conflicts (2 of 4 stars). 4 submissions from 4 submitters: Uncertain significance (4). Last evaluated 2025-12-17.

Conditions:
Hereditary cancer-predisposing syndrome. Also called: Tumor predisposition; Hereditary Cancer Syndrome; Hereditary neoplastic syndrome; Neoplastic Syndromes, Hereditary. Identifiers: Orphanet 140162, MedGen C0027672, MeSH D009386, MONDO:0015356.
Familial cancer of breast. Also called: BREAST CANCER, FAMILIAL; Hereditary breast cancer; hereditary breast carcinoma. Identifiers: Orphanet 227535, MedGen C0346153, MONDO:0016419, OMIM 114480. Disease mechanism: loss of function.

Allele frequency attached by ClinVar (database versions not stated): gnomAD exomes below 0.00001; TOPMed 0.00001.
gnomAD v4.1: 2 of 1,614,002 alleles (0.00012%); highest among the groups gnomAD compares: Non-Finnish European, 0.00017%; no homozygotes.

Submissions (4):

Labcorp Genetics (formerly Invitae), Labcorp
Classification: Uncertain significance for Familial cancer of breast. Last evaluated: 2025-12-17. Review status: criteria provided, single submitter. Criteria: Invitae Variant Classification Sherloc (09022015). Collection method: clinical testing. Allele origin: germline.
Comment: This sequence change replaces valine, which is neutral and non-polar, with methionine, which is neutral and non-polar, at codon 66 of the CHEK2 protein (p.Val66Met). This variant is not present in population databases (gnomAD no frequency). This variant has not been reported in the literature in individuals affected with CHEK2-related conditions. ClinVar contains an entry for this variant (Variation ID: 182446). An algorithm developed to predict the effect of missense changes on protein structure and function (PolyPhen-2) suggests that this variant is likely to be disruptive. Experimental studies have shown that this missense change does not substantially affect CHEK2 function (PMID: 37449874). In summary, the available evidence is currently insufficient to determine the role of this variant in disease. Therefore, it has been classified as a Variant of Uncertain Significance.

Ambry Genetics
Classification: Uncertain significance for Hereditary cancer-predisposing syndrome. Last evaluated: 2025-09-21. Review status: criteria provided, single submitter. Criteria: Ambry Variant Classification Scheme 2023. Collection method: clinical testing. Allele origin: germline.
Comment: The p.V66M variant (also known as c.196G>A), located in coding exon 1 of the CHEK2 gene, results from a G to A substitution at nucleotide position 196. The valine at codon 66 is replaced by methionine, an amino acid with highly similar properties. This alteration was detected in 0/1054 Hispanic BRCA1/2-negative probands with hereditary breast cancer and 1/1189 controls. (Weitzel JN et al. Cancer, 2019 Aug;125:2829-2836). This alteration has been identified in 1/1848 Spanish patients tested for suspicion of hereditary cancer (Vargas-Parra G et al. Hum Mutat, 2020 12;41:2128-2142). This alteration was reported as functional in a study assessing CHEK2-complementation through quantification of KAP1 phosphorylation and CHK2 autophosphorylation in human RPE1-CHEK2-knockout cells (Stolarova L et al. Clin Cancer Res, 2023 Aug;29:3037-3050). This amino acid position is highly conserved in available vertebrate species. In addition, the in silico prediction for this alteration is inconclusive. Since supporting evidence is limited at this time, the clinical significance of this alteration remains unclear.

Color Diagnostics, LLC DBA Color Health
Classification: Uncertain significance for Hereditary cancer-predisposing syndrome. Last evaluated: 2024-04-16. Review status: criteria provided, single submitter. Criteria: ACMG Guidelines, 2015. Collection method: clinical testing. Allele origin: germline.
Comment: This missense variant replaces valine with methionine at codon 66 of the CHEK2 protein. Computational prediction suggests that this variant may not impact protein structure and function. In a human cell complementation assay, this variant did not impact KAP1 phosphorylation or CHEK2 autophosphorylation (PMID: 37449874). This variant has been reported in an individual with a personal or family history of cancer (PMID: 32906215). This variant has not been identified in the general population by the Genome Aggregation Database (gnomAD). The available evidence is insufficient to determine the role of this variant in disease conclusively. Therefore, this variant is classified as a Variant of Uncertain Significance.

GeneDx
Classification: Uncertain significance. Last evaluated: 2022-08-15. Review status: criteria provided, single submitter. Criteria: GeneDx Variant Classification Process June 2021. Collection method: clinical testing. Allele origin: germline. Affected: yes.
Comment: Not observed at significant frequency in large population cohorts (gnomAD); In silico analysis supports that this missense variant does not alter protein structure/function; Identified in individuals with hereditary cancer, however type of cancer was not specified (Vargas-Parra et al., 2020); This variant is associated with the following publications: (PMID: 11733767, 22114986, 32906215)

Literature cited by the submitters: PubMed 37449874 (cited by 3 submitters); PubMed 31206626 (cited by Ambry Genetics); PubMed 32906215 (cited by Ambry Genetics and Color Diagnostics, LLC DBA Color Health).